The following is an entry in ClinVar:

ClinVar aggregate classification (germline): Uncertain significance (1 of 4 stars; one submission).

Conditions:
Fanconi anemia (FA). Also called: Fanconi's anemia. Identifiers: Orphanet 84, MedGen C0015625, MeSH D005199, MONDO:0019391.

Submission:

Labcorp Genetics (formerly Invitae), Labcorp
Classification: Uncertain significance for Fanconi anemia. Last evaluated: 2024-07-19. Review status: criteria provided, single submitter. Criteria: Invitae Variant Classification Sherloc (09022015). Collection method: clinical testing. Allele origin: germline.
Comment: This sequence change replaces aspartic acid, which is acidic and polar, with glycine, which is neutral and non-polar, at codon 1515 of the SLX4 protein (p.Asp1515Gly). This variant is not present in population databases (gnomAD no frequency). This variant has not been reported in the literature in individuals affected with SLX4-related conditions. An algorithm developed to predict the effect of missense changes on protein structure and function (PolyPhen-2) suggests that this variant is likely to be tolerated. In summary, the available evidence is currently insufficient to determine the role of this variant in disease. Therefore, it has been classified as a Variant of Uncertain Significance.

NM_032444.4(SLX4):c.4544A>G (p.Asp1515Gly)

Gene: SLX4 (SLX4 structure-specific endonuclease subunit; minus strand). Cytogenetic location: 16p13.3.
Variant type: single nucleotide variant.
Coding change: c.4544A>G on transcript NM_032444.4 (MANE Select); coding-DNA position 4544, A replaced by G.
Protein change: p.Asp1515Gly; replaces aspartic acid 1515 with glycine.
Molecular consequence: missense variant.
Genome position (GRCh38, 1-based): chr16:3,589,094, T>C on the plus strand (A>G on the coding strand, the complement: SLX4 is on the minus strand). VCF-style: chr16-3589094-T-C. GRCh37 (hg19) VCF-style: chr16-3639095-T-C.
Other names: short protein forms D1515G.
Identifiers: ClinVar variation 3627066 (VCV003627066.2).
Genomic context (GRCh38, chr16:3,589,094, plus strand): 5'-CCACCAGCGCTTGGCATCTGGGCCGGAGGAGGGGTCTCTGGAGGCCTCTGCTCTTCCCCG[T>C]CCCAAACGTCCCACAGAGCCGAATTCAGAAAGCTCGGCCTGCTATTCCCCAGGGAGCCCG-3'
Protein context (NP_115820.2, residues 1505-1525): FLNSALWDVW[Asp1515Gly]GEEQRPPETP